The following is an entry in ClinVar:

ClinVar aggregate classification (germline): Pathogenic (1 of 4 stars; one submission).

Conditions:
Hereditary spastic paraplegia 15 (SPG15). Also called: SPASTIC PARAPLEGIA 15, AUTOSOMAL RECESSIVE; KJELLIN SYNDROME; SPASTIC PARAPLEGIA AND RETINAL DEGENERATION. Identifiers: Orphanet 100996, MedGen C1849128, MONDO:0010044, OMIM 270700.

Submission:

Myriad Genetics, Inc.
Classification: Pathogenic for Hereditary spastic paraplegia 15. Last evaluated: 2025-01-16. Review status: criteria provided, single submitter. Criteria: Myriad Autosomal Dominant, Autosomal Recessive and X-Linked Classification Criteria (2023). Collection method: clinical testing. Allele origin: unknown.
Comment: NM_015346.3(ZFYVE26):c.6091C>T(Q2031*) is expected to be pathogenic in the context of spastic paraplegia type 15. This variant is predicted to lead to an abnormal or absent protein product due to the creation of a premature termination codon in ZFYVE26, a gene where loss-of-function variants are known to be pathogenic. Please note: this variant was assessed in the context of healthy population screening.

NM_015346.4(ZFYVE26):c.6091C>T (p.Gln2031Ter)

Gene: ZFYVE26 (zinc finger FYVE-type containing 26; minus strand). Cytogenetic location: 14q24.1.
Variant type: single nucleotide variant.
Coding change: c.6091C>T on transcript NM_015346.4 (MANE Select); coding-DNA position 6091, C replaced by T.
Protein change: p.Gln2031Ter; replaces glutamine 2031 with a stop codon.
Molecular consequence: nonsense.
Genome position (GRCh38, 1-based): chr14:67,762,740, G>A on the plus strand (C>T on the coding strand, the complement: ZFYVE26 is on the minus strand). VCF-style: chr14-67762740-G-A. GRCh37 (hg19) VCF-style: chr14-68229457-G-A.
Other names: short protein forms Q2031*.
Identifiers: ClinVar variation 5013972 (VCV005013972.1).
Genomic context (GRCh38, chr14:67,762,740, plus strand): 5'-CCAGTTGGTAGTACTCGGCTTCCAAAAGCTGGTTCCTTAGCCTGGTTACTGCAGCTGGCT[G>A]CAAGATCTGATCCAAAGATGGCACGTGGCGATAGGCAGCAGCAACTAAAATATTCAGCAC-3'